The following is an entry in ClinVar:

NM_030665.4(RAI1):c.1369G>A (p.Ala457Thr)

Gene: RAI1 (retinoic acid induced 1; plus strand). Cytogenetic location: 17p11.2.
Variant type: single nucleotide variant.
Coding change: c.1369G>A on transcript NM_030665.4 (MANE Select); coding-DNA position 1369, G replaced by A.
Protein change: p.Ala457Thr; replaces alanine 457 with threonine.
Molecular consequence: missense variant.
Genome position (GRCh38, 1-based): chr17:17,794,317, G>A. VCF-style: chr17-17794317-G-A. GRCh37 (hg19) VCF-style: chr17-17697631-G-A.
Other names: c.1369G>A (NM_030665.3); short protein forms A457T.
Identifiers: ClinVar variation 2049628 (VCV002049628.5), dbSNP rs1490052376, ClinGen allele CA398547674.

ClinVar aggregate classification (germline): Uncertain significance. Review status: criteria provided, single submitter (1 of 4 stars). 2 submissions from 2 submitters: Uncertain significance (1). 1 of the submissions does not count toward it. Last evaluated 2023-08-16.

Conditions:
RAI1-related disorder. Also called: RAI1-related condition.

Allele frequency attached by ClinVar (database versions not stated): gnomAD 0.00001; gnomAD exomes below 0.00001; TOPMed 0.00002.
gnomAD v4.1: 4 of 1,613,060 alleles (0.00025%); highest among the groups gnomAD compares: Non-Finnish European, 0.00034%; no homozygotes.

Submissions (2):

Labcorp Genetics (formerly Invitae), Labcorp
Classification: Uncertain significance. Last evaluated: 2023-08-16. Review status: criteria provided, single submitter. Criteria: Invitae Variant Classification Sherloc (09022015). Collection method: clinical testing. Allele origin: germline.
Comment: In summary, the available evidence is currently insufficient to determine the role of this variant in disease. Therefore, it has been classified as a Variant of Uncertain Significance. Advanced modeling of protein sequence and biophysical properties (such as structural, functional, and spatial information, amino acid conservation, physicochemical variation, residue mobility, and thermodynamic stability) performed at Invitae indicates that this missense variant is not expected to disrupt RAI1 protein function. ClinVar contains an entry for this variant (Variation ID: 2049628). This variant has not been reported in the literature in individuals affected with RAI1-related conditions. This variant is not present in population databases (gnomAD no frequency). This sequence change replaces alanine, which is neutral and non-polar, with threonine, which is neutral and polar, at codon 457 of the RAI1 protein (p.Ala457Thr).

PreventionGenetics, part of Exact Sciences
Classification: Uncertain significance for RAI1-related condition. Last evaluated: 2024-07-09. Review status: no assertion criteria provided. Collection method: clinical testing. Allele origin: germline. Not counted in ClinVar's aggregate classification.
Comment: The RAI1 c.1369G>A variant is predicted to result in the amino acid substitution p.Ala457Thr. To our knowledge, this variant has not been reported in the literature or in a large population database, indicating this variant is rare. At this time, the clinical significance of this variant is uncertain due to the absence of conclusive functional and genetic evidence.